The following is an entry in ClinVar:

NM_007294.4(BRCA1):c.5504G>A (p.Arg1835Gln)

Gene: BRCA1 (BRCA1 DNA repair associated; minus strand). Cytogenetic location: 17q21.31.
Variant type: single nucleotide variant.
Coding change: c.5504G>A on transcript NM_007294.4 (MANE Select); coding-DNA position 5504, G replaced by A.
Protein change: p.Arg1835Gln; replaces arginine 1835 with glutamine.
Molecular consequence: missense variant. On other transcripts: 3 prime UTR variant (1), non-coding transcript variant (1).
Genome position (GRCh38, 1-based): chr17:43,045,766, C>T on the plus strand (G>A on the coding strand, the complement: BRCA1 is on the minus strand). VCF-style: chr17-43045766-C-T. GRCh37 (hg19) VCF-style: chr17-41197783-C-T.
Other names: 5623G>A; c.5504G>A, p.Arg1835Gln (NM_001407603.1, NM_001407605.1, NM_001407593.1 and 5 more transcripts); c.5501G>A, p.Arg1834Gln (NM_001407610.1, NM_001407611.1, NM_001407612.1 and 14 more transcripts); c.5498G>A, p.Arg1833Gln (NM_001407627.1, NM_001407628.1, NM_001407629.1 and 13 more transcripts); c.5489G>A, p.Arg1830Gln (NM_001407647.1); c.5447G>A, p.Arg1816Gln (NM_001407648.1); c.5444G>A, p.Arg1815Gln (NM_001407649.1); c.5426G>A, p.Arg1809Gln (NM_001407652.1, NM_001407653.1, NM_001407654.1 and 1 more transcripts); and 75 more; short protein forms R1835Q, R731Q, R1788Q, R1856Q, R1707Q, R1751Q, R1763Q, R1787Q.
Identifiers: ClinVar variation 55604 (VCV000055604.42), dbSNP rs273902776, ClinGen allele CA003676.

ClinVar aggregate classification (germline): Conflicting classifications of pathogenicity. Review status: criteria provided, conflicting classifications (1 of 4 stars). 19 submissions from 19 submitters: Uncertain significance (11); Likely benign (3). 5 of the submissions do not count toward it. Last evaluated 2025-12-29.

Conditions:
BRCA1-related disorder. Also called: BRCA1-related condition.
Breast neoplasm. Also called: Neoplasm of the breast; Neoplasm of breast; Breast tumor; Breast Neoplasms. Identifiers: MedGen C1458155, MeSH D001943, MONDO:0021100, HP:0100013. Disease mechanism: gain of function.
Hereditary cancer-predisposing syndrome. Also called: Hereditary Cancer Syndrome; Hereditary neoplastic syndrome; Neoplastic Syndromes, Hereditary; Tumor predisposition. Identifiers: Orphanet 140162, MedGen C0027672, MeSH D009386, MONDO:0015356.
Hereditary breast ovarian cancer syndrome. Also called: BRCA1- and BRCA2-Associated Hereditary Breast and Ovarian Cancer; Hereditary breast and ovarian cancer syndrome; Hereditary breast and ovarian cancer syndrome (HBOC); Breast and ovarian cancer; Hereditary breast and/or ovarian cancer syndrome; Hereditary breast and ovarian cancer. Identifiers: Orphanet 145, MedGen C0677776, MeSH D061325, MONDO:0003582. Disease mechanism: loss of function.
Breast-ovarian cancer, familial, susceptibility to, 1 (BROVCA1). Also called: BRCA1 Hereditary Breast and Ovarian Cancer; OVARIAN CANCER, SUSCEPTIBILITY TO. Identifiers: Orphanet 145, MedGen C2676676, MONDO:0011450, OMIM 604370. Disease mechanism: loss of function.

Allele frequency attached by ClinVar (database versions not stated): gnomAD 0.00001 and 0.00002; TOPMed 0.00001; ExAC 0.00002.
gnomAD v4.1: 22 of 1,613,968 alleles (0.0014%); highest among the groups gnomAD compares: African/African-American, 0.0053%; no homozygotes.

Submissions 1 to 7 of 20:

Center for Genomic Medicine, Rigshospitalet, Copenhagen University Hospital
Classification: Uncertain significance. Last evaluated: 2025-12-29. Review status: criteria provided, single submitter. Criteria: ACMG Guidelines, 2015. Collection method: clinical testing. Allele origin: germline.
Comment: Classification criteria: BP4, BS1_supporting

Labcorp Genetics (formerly Invitae), Labcorp
Classification: Likely benign for Hereditary breast ovarian cancer syndrome. Last evaluated: 2025-12-13. Review status: criteria provided, single submitter. Criteria: Invitae Variant Classification Sherloc (09022015). Collection method: clinical testing. Allele origin: germline.

PreventionGenetics, part of Exact Sciences
Classification: Uncertain significance for BRCA1-related condition. Last evaluated: 2025-10-21. Review status: criteria provided, single submitter. Criteria: ACMG Guidelines, 2015. Collection method: clinical testing. Allele origin: germline.
Comment: The BRCA1 c.5504G>A variant is predicted to result in the amino acid substitution p.Arg1835Gln. This variant has been reported in individuals with breast and/or ovarian cancer (Purnomosari et al. 2007. PubMed ID: 17972177; Thirthagiri et al. 2008. PubMed ID: 18627636; Zhong et al. 2016. PubMed ID: 27257965. Table S2; Liang et al. 2018. PubMed ID: 29681614; Bhaskaran et al. 2019. PubMed ID: 30702160. Table S4). Functional assays show conflicting effects of this variant depending on the test utilized (Findlay et al. 2018. PubMed ID: 30209399. Table S1; Fernandes et al. 2019. PubMed ID: 30765603; Langerud et al. 2018. PubMed ID: 30458859). This variant has been observed in only nine out of ~283,000 alleles in a large population database (gnomAD) and has conflicting interpretations in ClinVar ranging from uncertain to likely benign (Variation ID: 55604). Based on these observations, the c.5504G>A variant is classified as uncertain.

Quest Diagnostics Nichols Institute San Juan Capistrano
Classification: Uncertain significance. Last evaluated: 2025-07-02. Review status: criteria provided, single submitter. Criteria: Quest Diagnostics criteria. Collection method: clinical testing. Allele origin: unknown.
Comment: The BRCA1 c.5504G>A (p.Arg1835Gln) variant has been reported in the published literature in individuals with a personal or family history of breast cancer (PMID: 35402282 (2022), 35218119 (2022), 29681614 (2018), 18627636 (2008), 17972177 (2007)), ovarian cancer (PMID: 24504028 (2014)), renal and stomach cancer (PMID: 36451132 (2022), 29625052 (2018)), a personal or family history of unspecified cancer (PMID: 31853058 (2020)), and a reportedly unaffected individual (PMID: 27403073 (2016)). Published functional studies demonstrate that this variant is not damaging to transcription activation (PMID: 37085799 (2023), 30458859 (2018), 28781887 (2016)), causes partial loss of homology-directed repair (PMID: 37085799 (2023), 26689913 (2015)), and retained intermediate functional activity in a large-scale study using a haploid cell line (PMID: 30209399 (2018)). The frequency of this variant in the general population (Genome Aggregation Database) is uninformative in the assessment of its pathogenicity. Analysis of this variant using bioinformatics tools for the prediction of the effect of amino acid changes on protein structure and function yielded conflicting predictions that this variant is benign or damaging. Based on the available information, we are unable to determine the clinical significance of this variant.

St. Jude Molecular Pathology, St. Jude Children's Research Hospital
Classification: Uncertain significance for Breast-ovarian cancer, familial, susceptibility to, 1. Last evaluated: 2025-06-17. Review status: criteria provided, single submitter. Criteria: St. Jude Assertion Criteria 2020. Collection method: clinical testing. Allele origin: germline.
Comment: The BRCA1 c.5504G>A p.(Arg1835Gln) missense change has a maximum subpopulation frequency of 0.01% in gnomAD v2.1.1. The in silico tool BayesDel predicts a benign effect on protein function, and functional studies are discordant (PMID:30209399, 30765603). This variant has been reported in individuals with breast and/or ovarian cancer (PMID: 17972177, 18627636, 24504028, 27257965, 35402282). To our knowledge, this variant has not been reported in individuals with Fanconi anemia. In summary, the evidence currently available is insufficient to determine the clinical significance of this variant. It has therefore been classified as of uncertain significance.

Molecular Diagnostics Laboratory, Catalan Institute of Oncology
Classification: Likely benign for Hereditary cancer-predisposing syndrome. Last evaluated: 2025-04-10. Review status: criteria provided, single submitter. Criteria: ClinGen BRCA1BRCA2 ACMG Specifications BRCA1 V1.0.0. Collection method: clinical testing. Allele origin: germline.
Comment: BP4, BP5 c.5504G>A, located in exon 23 of the BRCA1 gene, is predicted to result in the substitution of Arginine by Glutamine at codon 1835,p.(Arg1835Gln).This variant is found in 7/268184 alleles at a frequency of 0.0026% in the gnomAD v2.1.1 database, non-cancer dataset. The SpliceAI algorithm predicts no significant impact on splicing and the BayesDel_noAF predictor score for this variant (0,146) suggests that it does not affect the protein function (BP4). Reported by two calibrated studies with discordant results. Functional effect similar to benign control variants (PMID: 30765603) and between what was observed for benign and pathogenic control variants (PMID: 30209399). This alteration was classified as a likely benign variant in a multifactorial likelihood analysis showing a Combined LR for clinical data indicative of strong evidence towards benign (LR 0.297), co-occurrence LR 1.176779436 and family history LR 0.25 (PMID: 31131967) (BP5). In addition, the variant has been identified in the ClinVar (11x Uncertain Significance; 2x Likely benign), LOVD (3x uncertain significance) and BRCA Exchange (not yet reviewed) databases. Based on the currently available information, c.5504G>A is classified as a likely benign variant according to ClinGen-BRCA1 Guidelines version 1.

Color Diagnostics, LLC DBA Color Health
Classification: Uncertain significance for Hereditary cancer-predisposing syndrome. Last evaluated: 2024-08-28. Review status: criteria provided, single submitter. Criteria: ACMG Guidelines, 2015. Collection method: clinical testing. Allele origin: germline.
Comment: This missense variant replaces arginine with glutamine at codon 1835 of the BRCA1 protein. Computational prediction is inconclusive regarding the impact of this variant on protein structure and function. This variant has conflicting functional results with (partial) loss of activity compared to wild-type in homology-directed DNA repair assays (26689913, 37085799) and in a haploid cell proliferation assay (PMID: 30209399), but it's fully functional in transcription activation assays (PMID: 28781887, 37085799). This variant has been reported in individuals affected with breast cancer (PMID: 17972177, 27257965, 35402282), ovarian cancer (PMID: 18627636, 24504028) and pancreatic cancer (PMID: 32980694 ). This variant has also been observed in a healthy control individual (PMID: 27403073). This variant has a combined likelihood ratio (LR) for pathogenicity of 0.01647 from LR based on co-occurrence with a pathogenic variant and personal and family history (PMID: 31131967, 31853058). This variant has been identified in 9/282720 chromosomes in the general population by the Genome Aggregation Database (gnomAD). The available evidence is insufficient to determine the role of this variant in disease conclusively. Therefore, this variant is classified as a Variant of Uncertain Significance.